The following is an entry in ClinVar:

ClinVar aggregate classification (germline): Uncertain significance (1 of 4 stars; one submission).

Conditions:
Hereditary cancer-predisposing syndrome. Also called: Neoplastic Syndromes, Hereditary; Tumor predisposition; Hereditary neoplastic syndrome; Hereditary Cancer Syndrome. Identifiers: Orphanet 140162, MedGen C0027672, MeSH D009386, MONDO:0015356.

Submission:

Ambry Genetics
Classification: Uncertain significance for Hereditary cancer-predisposing syndrome. Last evaluated: 2026-09-07. Review status: criteria provided, single submitter. Criteria: Ambry Variant Classification Scheme 2023. Collection method: clinical testing. Allele origin: germline.
Comment: The p.L13R variant (also known as c.38T>G), located in coding exon 1 of the RET gene, results from a T to G substitution at nucleotide position 38. The leucine at codon 13 is replaced by arginine, an amino acid with dissimilar properties. This amino acid position is conserved. In addition, the in silico prediction for this alteration is inconclusive. Based on the available evidence, the clinical significance of this variant remains unclear.

NM_020975.6(RET):c.38T>G (p.Leu13Arg)

Gene: RET (ret proto-oncogene; plus strand). Cytogenetic location: 10q11.21.
Variant type: single nucleotide variant.
Coding change: c.38T>G on transcript NM_020975.6 (MANE Select); coding-DNA position 38, T replaced by G.
Protein change: p.Leu13Arg; replaces leucine 13 with arginine.
Molecular consequence: missense variant.
Genome position (GRCh38, 1-based): chr10:43,077,296, T>G. VCF-style: chr10-43077296-T-G. GRCh37 (hg19) VCF-style: chr10-43572744-T-G.
Other names: c.38T>G, p.Leu13Arg (NM_001406743.1, NM_001406744.1, NM_001406759.1 and 36 more transcripts); short protein forms L13R.
Identifiers: ClinVar variation 5028221 (VCV005028221.1).